The following is an entry in ClinVar:

ClinVar aggregate classification (germline): Uncertain significance (1 of 4 stars; one submission).

Allele frequency attached by ClinVar (database versions not stated): ESP Exome Variant Server 0.00008; gnomAD 0.00004; gnomAD exomes 0.00002; ExAC 0.00003; TOPMed 0.00005.

Submission:

Labcorp Genetics (formerly Invitae), Labcorp
Classification: Uncertain significance. Last evaluated: 2026-02-03. Review status: criteria provided, single submitter. Criteria: Invitae Variant Classification Sherloc (09022015). Collection method: clinical testing. Allele origin: germline.
Comment: This sequence change replaces arginine, which is basic and polar, with histidine, which is basic and polar, at codon 363 of the CHRM2 protein (p.Arg363His). This variant is present in population databases (rs147228075, gnomAD 0.008%). This variant has not been reported in the literature in individuals affected with CHRM2-related conditions. ClinVar contains an entry for this variant (Variation ID: 1438420). An algorithm developed to predict the effect of missense changes on protein structure and function (PolyPhen-2) suggests that this variant is likely to be disruptive. In summary, the available evidence is currently insufficient to determine the role of this variant in disease. Therefore, it has been classified as a Variant of Uncertain Significance.

NM_001006630.2(CHRM2):c.1088G>A (p.Arg363His)

Genes: CHRM2 (cholinergic receptor muscarinic 2; plus strand), LOC349160 (uncharacterized LOC349160; minus strand). Cytogenetic location: 7q33.
Variant type: single nucleotide variant.
Coding change: c.1088G>A on transcript NM_001006630.2 (MANE Select); coding-DNA position 1088, G replaced by A.
Protein change: p.Arg363His; replaces arginine 363 with histidine.
Molecular consequence: missense variant.
Genome position (GRCh38, 1-based): chr7:137,015,953, G>A. VCF-style: chr7-137015953-G-A. GRCh37 (hg19) VCF-style: chr7-136700700-G-A.
Other names: c.1088G>A, p.Arg363His (NM_001006626.3, NM_001006627.3, NM_001006628.3 and 6 more transcripts); short protein forms R363H.
Identifiers: ClinVar variation 1438420 (VCV001438420.8), dbSNP rs147228075, ClinGen allele CA4500616.